The following is an entry in ClinVar:

ClinVar aggregate classification (germline): Uncertain significance (1 of 4 stars; one submission).

Conditions:
Autosomal recessive ataxia, Beauce type. Also called: SYNE1-Related Autosomal Recessive Cerebellar Ataxia; Spinocerebellar ataxia, autosomal recessive 8; ATAXIA, RECESSIVE, OF BEAUCE; SYNE1 Deficiency. Identifiers: Orphanet 88644, MedGen C1853116, MONDO:0012549, OMIM 610743.
Emery-Dreifuss muscular dystrophy 4, autosomal dominant (EDMD4). Also called: EMERY-DREIFUSS MUSCULAR DYSTROPHY 4 WITH VARIABLE FEATURES. Identifiers: Orphanet 261, MedGen C2751807, MONDO:0013071, OMIM 612998.

Allele frequency attached by ClinVar (database versions not stated): gnomAD exomes below 0.00001; ExAC 0.00001.
gnomAD v4.1: 3 of 1,614,128 alleles (0.00019%); highest among the groups gnomAD compares: Non-Finnish European, 0.00017%; no homozygotes.

Submission:

Labcorp Genetics (formerly Invitae), Labcorp
Classification: Uncertain significance for Emery-Dreifuss muscular dystrophy 4, autosomal dominant; Autosomal recessive ataxia, Beauce type. Last evaluated: 2025-02-25. Review status: criteria provided, single submitter. Criteria: Invitae Variant Classification Sherloc (09022015). Collection method: clinical testing. Allele origin: germline.
Comment: This sequence change replaces valine, which is neutral and non-polar, with alanine, which is neutral and non-polar, at codon 1033 of the SYNE1 protein (p.Val1033Ala). This variant is present in population databases (rs776586157, gnomAD 0.0009%). This variant has not been reported in the literature in individuals affected with SYNE1-related conditions. ClinVar contains an entry for this variant (Variation ID: 1462968). An algorithm developed to predict the effect of missense changes on protein structure and function outputs the following: PolyPhen-2: "Benign". The alanine amino acid residue is found in multiple mammalian species, which suggests that this missense change does not adversely affect protein function. In summary, the available evidence is currently insufficient to determine the role of this variant in disease. Therefore, it has been classified as a Variant of Uncertain Significance.

NM_182961.4(SYNE1):c.3077T>C (p.Val1026Ala)

Gene: SYNE1 (spectrin repeat containing nuclear envelope protein 1; minus strand). Cytogenetic location: 6q25.2.
Variant type: single nucleotide variant.
Coding change: c.3077T>C on transcript NM_182961.4 (MANE Select); coding-DNA position 3077, T replaced by C.
Protein change: p.Val1026Ala; replaces valine 1026 with alanine.
Molecular consequence: missense variant.
Genome position (GRCh38, 1-based): chr6:152,451,156, A>G on the plus strand (T>C on the coding strand, the complement: SYNE1 is on the minus strand). VCF-style: chr6-152451156-A-G. GRCh37 (hg19) VCF-style: chr6-152772291-A-G.
Other names: c.3098T>C, p.Val1033Ala (NM_033071.5); short protein forms V1026A, V1033A.
Identifiers: ClinVar variation 1462968 (VCV001462968.8), dbSNP rs776586157, ClinGen allele CA4058927.